The following is an entry in ClinVar:

ClinVar aggregate classification (germline): Conflicting classifications of pathogenicity. Review status: criteria provided, conflicting classifications (1 of 4 stars). 3 submissions from 3 submitters: Uncertain significance (1); Likely benign (1). 1 of the submissions does not count toward it. Last evaluated 2025-12-11.

Conditions:
Inborn genetic diseases. Identifiers: MedGen C0950123, MeSH D030342.
WDR72-related disorder. Also called: WDR72-related condition.
Amelogenesis imperfecta hypomaturation type 2A3. Also called: Amelogenesis imperfecta, type IIA3. Identifiers: Orphanet 88661, MedGen C2750771, MONDO:0013181, OMIM 613211. Disease mechanism: loss of function.

Allele frequency attached by ClinVar (database versions not stated): gnomAD exomes 0.00019; ExAC 0.00023; TOPMed 0.00074; ESP Exome Variant Server 0.00100; 1000 Genomes Project 0.00120; 1000 Genomes Project 30x 0.00141.
gnomAD v4.1: 238 of 1,613,624 alleles (0.015%); highest among the groups gnomAD compares: African/African-American, 0.29%; 2 homozygotes.

Submissions (3):

Ambry Genetics
Classification: Likely benign for Inborn genetic diseases. Last evaluated: 2025-12-11. Review status: criteria provided, single submitter. Criteria: Ambry Variant Classification Scheme 2023. Collection method: clinical testing. Allele origin: germline.

Illumina Laboratory Services, Illumina
Classification: Uncertain significance for Amelogenesis imperfecta hypomaturation type 2A3. Last evaluated: 2018-01-13. Review status: criteria provided, single submitter. Criteria: ICSL Variant Classification Criteria 13 December 2019. Collection method: clinical testing. Allele origin: germline.

PreventionGenetics, part of Exact Sciences
Classification: Likely benign for WDR72-related condition. Last evaluated: 2019-04-02. Review status: no assertion criteria provided. Collection method: clinical testing. Allele origin: germline. Not counted in ClinVar's aggregate classification.
Comment: This variant is classified as likely benign based on ACMG/AMP sequence variant interpretation guidelines (Richards et al. 2015 PMID: 25741868, with internal and published modifications).

NM_182758.4(WDR72):c.2357T>G (p.Val786Gly)

Gene: WDR72 (WD repeat domain 72; minus strand). Cytogenetic location: 15q21.3.
Variant type: single nucleotide variant.
Coding change: c.2357T>G on transcript NM_182758.4 (MANE Select); coding-DNA position 2357, T replaced by G.
Protein change: p.Val786Gly; replaces valine 786 with glycine.
Molecular consequence: missense variant. On other transcripts: non-coding transcript variant (1).
Genome position (GRCh38, 1-based): chr15:53,615,849, A>C on the plus strand (T>G on the coding strand, the complement: WDR72 is on the minus strand). VCF-style: chr15-53615849-A-C. GRCh37 (hg19) VCF-style: chr15-53908046-A-C.
Other names: c.2357T>G (NM_182758.2); short protein forms V786G.
Identifiers: ClinVar variation 887896 (VCV000887896.7), dbSNP rs150548151, ClinGen allele CA7570885.